The following is an entry in ClinVar:

ClinVar aggregate classification (germline): Pathogenic. Review status: criteria provided, multiple submitters, no conflicts (2 of 4 stars). 3 submissions from 3 submitters: Pathogenic (3). Last evaluated 2023-10-12.

Conditions:
Leigh syndrome (NULS). Also called: Leigh Disease; Subacute necrotizing encephalopathy; Necrotizing encephalopathy infantile subacute of Leigh; Leigh's necrotizing encephalopathy; Leigh's disease; LEIGH SYNDROME, NUCLEAR. Identifiers: Orphanet 506, MedGen C2931891, MONDO:0009723, OMIM 256000.
Mitochondrial complex I deficiency, nuclear type 19. Also called: Mitochondrial complex 1 deficiency, nuclear type 19. Identifiers: MedGen C4748791, MONDO:0032624, OMIM 618241.

Submissions (3):

Labcorp Genetics (formerly Invitae), Labcorp
Classification: Pathogenic. Last evaluated: 2023-10-12. Review status: criteria provided, single submitter. Criteria: Invitae Variant Classification Sherloc (09022015). Collection method: clinical testing. Allele origin: germline.
Comment: This sequence change creates a premature translational stop signal (p.Glu203Glyfs*16) in the FOXRED1 gene. It is expected to result in an absent or disrupted protein product. Loss-of-function variants in FOXRED1 are known to be pathogenic (PMID: 20818383, 20858599). This variant is not present in population databases (gnomAD no frequency). This premature translational stop signal has been observed in individual(s) with FOXRED1-related conditions (PMID: 32348839, 32712949). Algorithms developed to predict the effect of sequence changes on RNA splicing suggest that this variant may disrupt the consensus splice site. For these reasons, this variant has been classified as Pathogenic.

The Molecular Genetic and Pathologic Diagnosis Center of Neuromuscular Disorder, Children's Hospital of Fudan University
Classification: Pathogenic for Leigh syndrome. Last evaluated: 2019-12-01. Review status: criteria provided, single submitter. Criteria: ACMG Guidelines, 2015. Collection method: clinical testing. Allele origin: germline. Affected: yes.

Juno Genomics, Hangzhou Juno Genomics, Inc
Classification: Pathogenic for Mitochondrial complex I deficiency, nuclear type 19. Review status: criteria provided, single submitter. Criteria: ACMG Guidelines, 2015. Collection method: clinical testing. Allele origin: germline.
Comment: Absent from controls (or at extremely low frequency if recessive) in Genome Aggregation Database.;Null variant in a gene where loss of function (LOF) is a known mechanism of disease.;For recessive disorders, detected in trans with a pathogenic variant.

Literature cited by the submitters: PubMed 20818383 (cited by Labcorp Genetics (formerly Invitae), Labcorp); PubMed 20858599 (cited by Labcorp Genetics (formerly Invitae), Labcorp); PubMed 32348839 (cited by Labcorp Genetics (formerly Invitae), Labcorp); PubMed 32712949 (cited by Labcorp Genetics (formerly Invitae), Labcorp).

NM_017547.4(FOXRED1):c.608_609del (p.Glu203fs)

Gene: FOXRED1 (FAD dependent oxidoreductase domain containing 1; plus strand). Cytogenetic location: 11q24.2.
Variant type: Microsatellite.
Coding change: c.608_609del on transcript NM_017547.4 (MANE Select); coding-DNA positions 608 to 609, 2 bases deleted (AG; older notation c.608_609delAG).
Protein change: p.Glu203fs; shifts the reading frame from glutamic acid 203.
Molecular consequence: frameshift variant. On other transcripts: non-coding transcript variant (2).
Genome position (GRCh38, 1-based): chr11:126,274,998-126,274,999, AG deleted; deleting any 2 consecutive bases within chr11:126,274,996-126,274,999 gives the same sequence; the c. name uses the placement nearest the transcript's 3' end. VCF-style (leftmost placement, unchanged base first): chr11-126274995-CAG-C. GRCh37 (hg19) VCF-style: chr11-126144890-CAG-C.
Other names: c.606_607del (NM_017547.4); short protein forms E203fs.
Identifiers: ClinVar variation 972926 (VCV000972926.6), dbSNP rs1189650128, ClinGen allele CA673003506.